The following is an entry in ClinVar:

NM_006814.5(PSMF1):c.725G>A (p.Arg242His)

Gene: PSMF1 (proteasome inhibitor subunit 1; plus strand). Cytogenetic location: 20p13.
Variant type: single nucleotide variant.
Coding change: c.725G>A on transcript NM_006814.5 (MANE Select); coding-DNA position 725, G replaced by A.
Protein change: p.Arg242His; replaces arginine 242 with histidine.
Molecular consequence: missense variant.
Genome position (GRCh38, 1-based): chr20:1,164,437, G>A. VCF-style: chr20-1164437-G-A. GRCh37 (hg19) VCF-style: chr20-1145081-G-A.
Other names: c.725G>A, p.Arg242His (NM_178578.4, NM_001323408.2, NM_001323409.2 and 1 more transcripts); c.461G>A, p.Arg154His (NM_001323407.2); short protein forms R154H, R242H.
Identifiers: ClinVar variation 4533490 (VCV004533490.7).
Genomic context (GRCh38, chr20:1,164,437, plus strand): 5'-TTGACCCTTCCTCAGGCCTCCCGAACCGACTTCCTCCAGGCGCTGTGCCCCCAGGAGCTC[G>A]CTTTGACCCCTTTGGACCCATTGGGACCAGCCCACCCGGGTACGTAGTCACTCAGGTATG-3'
Protein context (NP_006805.2, residues 232-252): LPPGAVPPGA[Arg242His]FDPFGPIGTS

ClinVar aggregate classification (germline): Likely benign. Review status: criteria provided, single submitter (1 of 4 stars). 2 submissions from 2 submitters: Likely benign (1). 1 of the submissions does not count toward it. Last evaluated 2025-11-01.

Conditions:
PARKINSON DISEASE 27, AUTOSOMAL RECESSIVE EARLY-ONSET (PARK27). Identifiers: MedGen CN382325, OMIM 621693.

gnomAD v4.1: 3,454 of 1,614,138 alleles (0.21%); highest among the groups gnomAD compares: Non-Finnish European, 0.26%; 4 homozygotes.

Submissions (2):

CeGaT Center for Human Genetics Tuebingen
Classification: Likely benign. Last evaluated: 2025-11-01. Review status: criteria provided, single submitter. Criteria: CeGaT Center For Human Genetics Tuebingen Variant Classification Criteria Version 2. Collection method: clinical testing. Allele origin: germline. Affected: yes. Observed: 1 variant allele.
Comment: PSMF1: PP3, BS2

OMIM
Classification: Pathogenic for PARKINSON DISEASE 27, AUTOSOMAL RECESSIVE EARLY-ONSET. Last evaluated: 2026-09-09. Review status: no assertion criteria provided. Collection method: literature only. Allele origin: germline. Not counted in ClinVar's aggregate classification.

Literature cited by the submitters: PubMed 41986367 (cited by OMIM).